The following is an entry in ClinVar:

ClinVar aggregate classification (germline): Pathogenic/Likely pathogenic. Review status: criteria provided, multiple submitters, no conflicts (2 of 4 stars). 13 submissions from 13 submitters: Pathogenic (7); Likely pathogenic (1). 5 of the submissions do not count toward it. Last evaluated 2026-01-27.

Conditions:
INS-related disorder. Also called: INS-related condition.
INS-related disorders.
Diabetes mellitus, permanent neonatal 4. Also called: INS-Related Permanent Neonatal Diabetes Mellitus. Identifiers: MedGen C5394307, MONDO:0030089, OMIM 618858.
Neonatal diabetes mellitus (NDM). Identifiers: Orphanet 224, MedGen C0158981, MONDO:0016391.
Type 1 diabetes mellitus 2. Identifiers: MedGen C1852092, MONDO:0007454, OMIM 125852.
Permanent neonatal diabetes mellitus (PNDM). Identifiers: Orphanet 99885, MedGen C1833104, MONDO:0100164, MONDO:0011643. Disease mechanism: gain of function.

Allele frequency attached by ClinVar (database versions not stated): TOPMed below 0.00001; gnomAD exomes below 0.00001.

Submissions (13):

PreventionGenetics, part of Exact Sciences
Classification: Pathogenic for INS-related condition. Last evaluated: 2026-01-27. Review status: criteria provided, single submitter. Criteria: ACMG Guidelines, 2015. Collection method: clinical testing. Allele origin: germline.
Comment: The INS c.94G>A variant is predicted to result in the amino acid substitution p.Gly32Ser. This variant has been reported to be pathogenic for permanent neonatal diabetes due to mutant proinsulin protein retention in endoplasmic reticulum (ER) (Støy et al. 2007. PubMed ID: 17855560; Park et al., 2010. PubMed ID: 20034470). This variant segregated with disease or arose de novo in Støy et al. study. The p.Gly32 residue appears to be a mutational hot spot and different changes affecting the same amino acid (p.Gly32Arg, p.Gly32Cys, and p.Gly32Val) have been reported to be pathogenic (Støy et al. 2007. PubMed ID: 17855560; Park et al., 2010. PubMed ID: 20034470; Ellard et al. 2013. PubMed ID: 23771172; Yu et al. 2019. PubMed ID: 31264968 ). This variant has not been reported in a large population database, indicating this variant is rare. This variant is interpreted as pathogenic.

GeneDx
Classification: Pathogenic. Last evaluated: 2024-06-27. Review status: criteria provided, single submitter. Criteria: GeneDx Variant Classification Process June 2021. Collection method: clinical testing. Allele origin: germline. Affected: yes.
Comment: Published functional studies suggest a damaging effect on protein function (PMID: 20034470); Not observed at significant frequency in large population cohorts (gnomAD); This variant is associated with the following publications: (PMID: 17855560, 18162506, 19900242, 27634015, 31365591, 31605659, 18840770, 19952343, 26530398, 31264968, 32792356, 32041611, 37897565, 37048081, 36398453, 36151994, 36504295, 36724370, 36418577, 34387403, 38793013, 36655002, 35518939, 20034470)

Labcorp Genetics (formerly Invitae), Labcorp
Classification: Pathogenic. Last evaluated: 2023-12-30. Review status: criteria provided, single submitter. Criteria: Invitae Variant Classification Sherloc (09022015). Collection method: clinical testing. Allele origin: germline.
Comment: This sequence change replaces glycine, which is neutral and non-polar, with serine, which is neutral and polar, at codon 32 of the INS protein (p.Gly32Ser). This variant is not present in population databases (gnomAD no frequency). This missense change has been observed in individual(s) with autosomal dominant permanent neonatal diabetes mellitus (PMID: 17855560). In at least one individual the variant was observed to be de novo. It has also been observed to segregate with disease in related individuals. ClinVar contains an entry for this variant (Variation ID: 21122). An algorithm developed to predict the effect of missense changes on protein structure and function (PolyPhen-2) suggests that this variant is likely to be disruptive. Experimental studies have shown that this missense change affects INS function (PMID: 19952343). For these reasons, this variant has been classified as Pathogenic.

Laboratory for Molecular Medicine, Mass General Brigham Personalized Medicine
Classification: Pathogenic for Permanent neonatal diabetes mellitus. Last evaluated: 2021-07-21. Review status: criteria provided, single submitter. Criteria: ACMG Guidelines, 2015. Collection method: clinical testing. Allele origin: germline. Inheritance: Autosomal dominant inheritance.
Comment: The p.Gly32Ser variant in INS has been reported in at least 15 individuals with early-onset or infantile diabetes, including 8 de novo occurrences, and segregated with disease in 4 affected individuals from 1 family (Stoy 2007 PMID:17855560, Edghill 2008 PMID: 18162506, Bonfanti 2009 PMID: 18840770, Rubio-Cabezas 2009 PMID: 19900242, Jahnavi 2013 PMID: 22831748, Globa 2015 PMID: 26208381, Ortolani 2015 PMID: 26239141, Brahm 2016 PMID: 27634015, Wasserman 2016 PMID: 26530398, Urrutia 2019 PMID: 31365591, Fu 2020 PMID: 31605659, Lin 2020 PMID: 32792356). It was absent from large population studies but has been reported in ClinVar (Variation ID 21122). Computational prediction tools and conservation analyses suggest that this variant may impact the protein, though this information is not predictive enough to determine pathogenicity. In vitro functional studies support an impact on protein function (Park 2010 PMID: 20034470, Rajan 2010 PMID: 19952343). Animal models in mice support that this variant causes diabetes (Austin 2020 PMID: 32994272). In summary, this variant meets criteria to be classified as pathogenic for autosomal dominant monogenic diabetes. ACMG/AMP Criteria applied: PS4, PM6_Strong, PM2_Supporting, PS3_Moderate, PP1, PP3.

Blueprint Genetics
Classification: Pathogenic for INS-related disorders. Last evaluated: 2018-12-20. Review status: criteria provided, single submitter. Criteria: ACMG Guidelines, 2015. Collection method: clinical testing. Allele origin: germline. Affected: yes. Observed: 3 variant alleles.

Genetic Services Laboratory, University of Chicago
Classification: Pathogenic for Diabetes mellitus, insulin-dependent, 2. Last evaluated: 2013-11-04. Review status: criteria provided, single submitter. Criteria: ACMG Guidelines, 2007. Collection method: clinical testing. Allele origin: germline. Inheritance: Autosomal dominant inheritance. Affected: yes.

Juno Genomics, Hangzhou Juno Genomics, Inc
Classification: Pathogenic for Diabetes mellitus, permanent neonatal 4. Review status: criteria provided, single submitter. Criteria: ACMG Guidelines, 2015. Collection method: clinical testing. Allele origin: germline. Affected: yes.
Comment: Absent from controls (or at extremely low frequency if recessive) in Genome Aggregation Database, Exome Sequencing Project, 1000 Genomes Project, or Exome Aggregation Consortium.;The prevalence of the variant in affected individuals is significantly increased compared to the prevalence in controls.;De novo (both maternity and paternity confirmed) in a patient with the disease and no family history.;Patient's phenotype or family history is highly specific for a disease with a single genetic etiology.;Multiple lines of computational evidence support a deleterious effect on the gene or gene product (conservation, evolutionary, splicing impact, etc).

Molecular Genetics, Madras Diabetes Research Foundation
Classification: Likely pathogenic for Neonatal diabetes mellitus. Review status: criteria provided, single submitter. Criteria: ACMG Guidelines, 2015. Collection method: clinical testing. Allele origin: germline. Affected: yes.

Women's Health and Genetics/Laboratory Corporation of America, LabCorp
No classification provided. Condition: Neonatal Diabetes Mellitus. Last evaluated: 2015-04-03. Review status: no classification provided. Collection method: clinical testing. Allele origin: germline. Not counted in ClinVar's aggregate classification.

OMIM
Classification: Pathogenic for DIABETES MELLITUS, PERMANENT NEONATAL, 4. Last evaluated: 2007-09-18. Review status: no assertion criteria provided. Collection method: literature only. Allele origin: germline. Not counted in ClinVar's aggregate classification.

GeneReviews
No classification provided. Condition: Permanent neonatal diabetes mellitus. Review status: no classification provided. Collection method: literature only. Allele origin: unknown. Not counted in ClinVar's aggregate classification.

UniProtKB/Swiss-Prot
No classification provided. Condition: Permanent neonatal diabetes mellitus. Review status: no classification provided. Collection method: not provided. Allele origin: not provided. Not counted in ClinVar's aggregate classification.

Clinical Genomics, Uppaluri K&H Personalized Medicine Clinic
Classification: Uncertain significance for Diabetes mellitus, permanent neonatal 4. Review status: flagged submission. Criteria: K &amp; H Uppaluri Personalized Medicine Clinic Variant Classification &amp; Assertion Criteria_Updated V.1. Collection method: research. Allele origin: unknown. Inheritance: Autosomal dominant inheritance. Not counted in ClinVar's aggregate classification.
Comment: Potent mutations in the INS gene can cause early onset diabetes mellitus which is insulin dependent. May have poor response to sulfonylureas, mutations in this gene can cause beta cell destruction.Sufficient evidence is found to confer the association of this particular variant G32S/rs80356664 with Neonatal diabetes.
ClinVar note: Reason: Outlier claim with insufficient supporting evidence

Literature cited by the submitters: PubMed 17855560 (cited by 3 submitters); PubMed 19952343 (cited by Labcorp Genetics (formerly Invitae), Labcorp and Laboratory for Molecular Medicine, Mass General Brigham Personalized Medicine); PubMed 26208381 (cited by Laboratory for Molecular Medicine, Mass General Brigham Personalized Medicine); PubMed 26239141 (cited by Laboratory for Molecular Medicine, Mass General Brigham Personalized Medicine); PubMed 22831748 (cited by Laboratory for Molecular Medicine, Mass General Brigham Personalized Medicine); PubMed 18840770 (cited by Laboratory for Molecular Medicine, Mass General Brigham Personalized Medicine); PubMed 27634015 (cited by Laboratory for Molecular Medicine, Mass General Brigham Personalized Medicine); PubMed 32041611 (cited by Laboratory for Molecular Medicine, Mass General Brigham Personalized Medicine); PubMed 31605659 (cited by Laboratory for Molecular Medicine, Mass General Brigham Personalized Medicine); PubMed 20034470 (cited by Laboratory for Molecular Medicine, Mass General Brigham Personalized Medicine); PubMed 18171712 (cited by Laboratory for Molecular Medicine, Mass General Brigham Personalized Medicine and GeneReviews); PubMed 17047922 (cited by Laboratory for Molecular Medicine, Mass General Brigham Personalized Medicine and GeneReviews); PubMed 31365591 (cited by Laboratory for Molecular Medicine, Mass General Brigham Personalized Medicine); PubMed 26530398 (cited by Laboratory for Molecular Medicine, Mass General Brigham Personalized Medicine); PubMed 31264968 (cited by Laboratory for Molecular Medicine, Mass General Brigham Personalized Medicine); PubMed 32792356 (cited by Laboratory for Molecular Medicine, Mass General Brigham Personalized Medicine and Clinical Genomics, Uppaluri K&H Personalized Medicine Clinic); PubMed 18162506 (cited by Laboratory for Molecular Medicine, Mass General Brigham Personalized Medicine and Clinical Genomics, Uppaluri K&H Personalized Medicine Clinic); PubMed 19900242 (cited by Laboratory for Molecular Medicine, Mass General Brigham Personalized Medicine); PubMed 32994272 (cited by Laboratory for Molecular Medicine, Mass General Brigham Personalized Medicine); PubMed 34593315 (cited by Molecular Genetics, Madras Diabetes Research Foundation); PubMed 20301620 (cited by GeneReviews); NCBI Bookshelf NBK1447 (cited by GeneReviews); PubMed 20938745 (cited by Clinical Genomics, Uppaluri K&H Personalized Medicine Clinic); PubMed 32916194 (cited by Clinical Genomics, Uppaluri K&H Personalized Medicine Clinic).

NM_000207.3(INS):c.94G>A (p.Gly32Ser)

Genes: INS (insulin; minus strand), INS-IGF2 (INS-IGF2 readthrough; minus strand). Cytogenetic location: 11p15.5.
Variant type: single nucleotide variant.
Coding change: c.94G>A on transcript NM_000207.3 (MANE Select); coding-DNA position 94, G replaced by A.
Protein change: p.Gly32Ser; replaces glycine 32 with serine.
Molecular consequence: missense variant. On other transcripts: non-coding transcript variant (1).
Genome position (GRCh38, 1-based): chr11:2,160,878, C>T on the plus strand (G>A on the coding strand, the complement: INS is on the minus strand). VCF-style: chr11-2160878-C-T. GRCh37 (hg19) VCF-style: chr11-2182108-C-T.
Other names: c.94G>A, p.Gly32Ser (NM_001185097.2, NM_001185098.2, NM_001291897.2 and 1 more transcripts); short protein forms G32S.
Identifiers: ClinVar variation 21122 (VCV000021122.23), dbSNP rs80356664, ClinGen allele CA214067.